The following is an entry in ClinVar:

ClinVar aggregate classification (germline): Conflicting classifications of pathogenicity. Review status: criteria provided, conflicting classifications (1 of 4 stars). 3 submissions from 3 submitters: Uncertain significance (1); Likely benign (2). Last evaluated 2024-12-09.

Conditions:
Autosomal recessive nonsyndromic hearing loss 3. Also called: NEUROSENSORY NONSYNDROMIC RECESSIVE DEAFNESS 3. Identifiers: Orphanet 90636, MedGen C1838263, MONDO:0010860, OMIM 600316.
MYO15A-related disorder. Also called: MYO15A-related condition.

Allele frequency attached by ClinVar (database versions not stated): ExAC below 0.00001.
gnomAD v4.1: 12 of 1,277,636 alleles (0.00094%); highest among the groups gnomAD compares: South Asian, 0.017%; no homozygotes.

Submissions (3):

PreventionGenetics, part of Exact Sciences
Classification: Likely benign for MYO15A-related condition. Last evaluated: 2024-12-09. Review status: criteria provided, single submitter. Criteria: ACMG Guidelines, 2015. Collection method: clinical testing. Allele origin: germline.
Comment: This variant is classified as likely benign based on ACMG/AMP sequence variant interpretation guidelines (Richards et al. 2015 PMID: 25741868, with internal and published modifications).

Labcorp Genetics (formerly Invitae), Labcorp
Classification: Likely benign. Last evaluated: 2023-05-21. Review status: criteria provided, single submitter. Criteria: Invitae Variant Classification Sherloc (09022015). Collection method: clinical testing. Allele origin: germline.

Illumina Laboratory Services, Illumina
Classification: Uncertain significance for Autosomal recessive nonsyndromic hearing loss 3. Last evaluated: 2018-01-13. Review status: criteria provided, single submitter. Criteria: ICSL Variant Classification Criteria 13 December 2019. Collection method: clinical testing. Allele origin: germline.

NM_016239.4(MYO15A):c.2070G>C (p.Pro690=)

Gene: MYO15A (myosin XVA; plus strand). Cytogenetic location: 17p11.2.
Variant type: single nucleotide variant.
Coding change: c.2070G>C on transcript NM_016239.4 (MANE Select); coding-DNA position 2070, G replaced by C.
Protein change: p.Pro690=; no amino-acid change (proline 690 retained).
Molecular consequence: synonymous variant.
Genome position (GRCh38, 1-based): chr17:18,120,870, G>C. VCF-style: chr17-18120870-G-C. GRCh37 (hg19) VCF-style: chr17-18024184-G-C.
Identifiers: ClinVar variation 891198 (VCV000891198.8), dbSNP rs761069955, ClinGen allele CA8423224.
Genomic context (GRCh38, chr17:18,120,870, plus strand): 5'-AAGCTCCGGGCCCCCGCCCGCGCCGCCGCTCTCCCCGGCGCTCTCGGGCCTGCCCCGGCC[G>C]GCCTCGCCCTACGGCTCCCTCCGCCGCCACCCGCCGCCCTGGGCCGCCCCAGCGCACGTG-3'
Protein context (NP_057323.3, residues 680-700): LSPALSGLPR[Pro690=]ASPYGSLRRH